The following is an entry in ClinVar:

NM_001130987.2(DYSF):c.760-8G>C

Gene: DYSF (dysferlin; plus strand). Cytogenetic location: 2p13.2.
Variant type: single nucleotide variant.
Coding change: c.760-8G>C on transcript NM_001130987.2 (MANE Select); 8 bases into the intron before coding-DNA position 760, G replaced by C.
Molecular consequence: intron variant.
Genome position (GRCh38, 1-based): chr2:71,515,615, G>C. VCF-style: chr2-71515615-G-C. GRCh37 (hg19) VCF-style: chr2-71742745-G-C.
Other names: c.757-8G>C (NM_001130979.2, NM_001130981.2, NM_001130980.2); c.664-8G>C (NM_001130978.2, NM_003494.4, NM_001130977.2 and 1 more transcripts); c.760-8G>C (NM_001130982.2, NM_001130985.2); c.667-8G>C (NM_001130983.2, NM_001130455.2, NM_001130984.2 and 1 more transcripts).
Identifiers: ClinVar variation 198457 (VCV000198457.45), dbSNP rs748159785, ClinGen allele CA247122.

ClinVar aggregate classification (germline): Conflicting classifications of pathogenicity. Review status: criteria provided, conflicting classifications (1 of 4 stars). 6 submissions from 6 submitters: Uncertain significance (3); Likely benign (2). 1 of the submissions does not count toward it. Last evaluated 2026-01-24.

Conditions:
DYSF-related disorder. Also called: DYSF-related condition; DYSF-related disorders.
Neuromuscular disease caused by qualitative or quantitative defects of dysferlin. Also called: Dysferlinopathy; Qualitative or quantitative defects of dysferlin. Identifiers: Orphanet 207073, MedGen C2931687, MONDO:0016145.

Allele frequency attached by ClinVar (database versions not stated): ExAC 0.00002; gnomAD 0.00003; TOPMed 0.00003; gnomAD exomes 0.00004.
gnomAD v4.1: 106 of 1,613,598 alleles (0.0066%); highest among the groups gnomAD compares: Non-Finnish European, 0.0082%; no homozygotes.

Submissions (6):

Labcorp Genetics (formerly Invitae), Labcorp
Classification: Likely benign for Neuromuscular disease caused by qualitative or quantitative defects of dysferlin. Last evaluated: 2026-01-24. Review status: criteria provided, single submitter. Criteria: Invitae Variant Classification Sherloc (09022015). Collection method: clinical testing. Allele origin: germline.

CeGaT Center for Human Genetics Tuebingen
Classification: Uncertain significance. Last evaluated: 2023-11-01. Review status: criteria provided, single submitter. Criteria: CeGaT Center For Human Genetics Tuebingen Variant Classification Criteria Version 2. Collection method: clinical testing. Allele origin: germline. Affected: yes. Observed: 1 variant allele.
Comment: DYSF: PM2, BP4

Blueprint Genetics
Classification: Likely benign. Last evaluated: 2023-01-17. Review status: criteria provided, single submitter. Criteria: ACMG Guidelines, 2015. Collection method: clinical testing. Allele origin: germline.

Illumina Laboratory Services, Illumina
Classification: Uncertain significance for Qualitative or quantitative defects of dysferlin. Last evaluated: 2018-01-13. Review status: criteria provided, single submitter. Criteria: ICSL Variant Classification Criteria 13 December 2019. Collection method: clinical testing. Allele origin: germline.

Eurofins Ntd Llc (ga)
Classification: Uncertain significance. Last evaluated: 2015-05-21. Review status: criteria provided, single submitter. Criteria: EGL Classification Definitions 2015. Collection method: clinical testing. Allele origin: germline. Observed: 1 variant allele, 1 heterozygote.

PreventionGenetics, part of Exact Sciences
Classification: Likely benign for DYSF-related condition. Last evaluated: 2020-10-12. Review status: no assertion criteria provided. Collection method: clinical testing. Allele origin: germline. Not counted in ClinVar's aggregate classification.
Comment: This variant is classified as likely benign based on ACMG/AMP sequence variant interpretation guidelines (Richards et al. 2015 PMID: 25741868, with internal and published modifications).